The following is an entry in ClinVar:

ClinVar aggregate classification (germline): Uncertain significance (1 of 4 stars; one submission).

Allele frequency attached by ClinVar (database versions not stated): ExAC 0.00002.
gnomAD v4.1: 29 of 1,613,998 alleles (0.0018%); highest among the groups gnomAD compares: South Asian, 0.0055%; no homozygotes.

Submission:

Labcorp Genetics (formerly Invitae), Labcorp
Classification: Uncertain significance. Last evaluated: 2023-11-01. Review status: criteria provided, single submitter. Criteria: Invitae Variant Classification Sherloc (09022015). Collection method: clinical testing. Allele origin: germline.
Comment: This sequence change replaces aspartic acid, which is acidic and polar, with asparagine, which is neutral and polar, at codon 292 of the LRRC8A protein (p.Asp292Asn). This variant is present in population databases (rs756269981, gnomAD 0.02%). This variant has not been reported in the literature in individuals affected with LRRC8A-related conditions. An algorithm developed to predict the effect of missense changes on protein structure and function (PolyPhen-2) suggests that this variant is likely to be tolerated. In summary, the available evidence is currently insufficient to determine the role of this variant in disease. Therefore, it has been classified as a Variant of Uncertain Significance.

NM_019594.4(LRRC8A):c.874G>A (p.Asp292Asn)

Gene: LRRC8A (leucine rich repeat containing 8 VRAC subunit A; plus strand). Cytogenetic location: 9q34.11.
Variant type: single nucleotide variant.
Coding change: c.874G>A on transcript NM_019594.4 (MANE Select); coding-DNA position 874, G replaced by A.
Protein change: p.Asp292Asn; replaces aspartic acid 292 with asparagine.
Molecular consequence: missense variant.
Genome position (GRCh38, 1-based): chr9:128,908,038, G>A. VCF-style: chr9-128908038-G-A. GRCh37 (hg19) VCF-style: chr9-131670317-G-A.
Other names: c.874G>A, p.Asp292Asn (NM_001127244.2, NM_001127245.2); short protein forms D292N.
Identifiers: ClinVar variation 2719293 (VCV002719293.3), dbSNP rs756269981, ClinGen allele CA5270789.
Genomic context (GRCh38, chr9:128,908,038, plus strand): 5'-GTGATCAAGTTCATCCTCATCATCTGCTACACCGTCTACTACGTGCACAACATCAAGTTC[G>A]ACGTGGACTGCACCGTGGACATTGAGAGCCTGACGGGCTACCGCACCTACCGCTGTGCCC-3'
Protein context (NP_062540.2, residues 282-302): TVYYVHNIKF[Asp292Asn]VDCTVDIESL